The following is an entry in ClinVar:

NM_000315.4(PTH):c.160T>C (p.Trp54Arg)

Gene: PTH (parathyroid hormone; minus strand). Cytogenetic location: 11p15.3.
Variant type: single nucleotide variant.
Coding change: c.160T>C on transcript NM_000315.4 (MANE Select); coding-DNA position 160, T replaced by C.
Protein change: p.Trp54Arg; replaces tryptophan 54 with arginine.
Molecular consequence: missense variant.
Genome position (GRCh38, 1-based): chr11:13,492,593, A>G on the plus strand (T>C on the coding strand, the complement: PTH is on the minus strand). VCF-style: chr11-13492593-A-G. GRCh37 (hg19) VCF-style: chr11-13514140-A-G.
Other names: c.256T>C, p.Trp86Arg (NM_001316352.2); short protein forms W54R, W86R.
Identifiers: ClinVar variation 4803830 (VCV004803830.1).
Genomic context (GRCh38, chr11:13,492,593, plus strand): 5'-GAGCTAGAGGAGCTCCAAGGGCAACAAAATTGTGCACATCCTGCAGCTTCTTACGCAGCC[A>G]TTCTACTCTCTCCATCGAGTTCAGATGTTTTCCCAGGTTATGCATAAGCTGTATTTCACT-3'
Protein context (NP_000306.1, residues 44-64): KHLNSMERVE[Trp54Arg]LRKKLQDVHN

ClinVar aggregate classification (germline): Uncertain significance (1 of 4 stars; one submission).

gnomAD v4.1: 2 of 1,614,160 alleles (0.00012%); highest among the groups gnomAD compares: South Asian, 0.0011%; no homozygotes.

Submission:

Labcorp Genetics (formerly Invitae), Labcorp
Classification: Uncertain significance. Last evaluated: 2025-05-03. Review status: criteria provided, single submitter. Criteria: Invitae Variant Classification Sherloc (09022015). Collection method: clinical testing. Allele origin: germline.
Comment: This sequence change replaces tryptophan, which is neutral and slightly polar, with arginine, which is basic and polar, at codon 54 of the PTH protein (p.Trp54Arg). This variant is present in population databases (rs771537090, gnomAD 0.003%). This variant has not been reported in the literature in individuals affected with PTH-related conditions. An algorithm developed to predict the effect of missense changes on protein structure and function (PolyPhen-2) suggests that this variant is likely to be disruptive. In summary, the available evidence is currently insufficient to determine the role of this variant in disease. Therefore, it has been classified as a Variant of Uncertain Significance.